The following is an entry in ClinVar:

NM_014975.3(MAST1):c.2386C>T (p.Arg796Cys)

Genes: MAST1 (microtubule associated serine/threonine kinase 1; plus strand), LOC112543452 (Sharpr-MPRA regulatory region 6054; plus strand). Cytogenetic location: 19p13.13.
Variant type: single nucleotide variant.
Coding change: c.2386C>T on transcript NM_014975.3 (MANE Select); coding-DNA position 2386, C replaced by T.
Protein change: p.Arg796Cys; replaces arginine 796 with cysteine.
Molecular consequence: missense variant.
Genome position (GRCh38, 1-based): chr19:12,867,797, C>T. VCF-style: chr19-12867797-C-T. GRCh37 (hg19) VCF-style: chr19-12978611-C-T.
Other names: short protein forms R796C.
Identifiers: ClinVar variation 3372001 (VCV003372001.1).

ClinVar aggregate classification (germline): Uncertain significance (1 of 4 stars; one submission).

gnomAD v4.1: 1 of 1,571,928 alleles (0.000064%); highest among the groups gnomAD compares: South Asian, 0.0011%; no homozygotes.

Submission:

GeneDx
Classification: Uncertain significance. Last evaluated: 2024-04-02. Review status: criteria provided, single submitter. Criteria: GeneDx Variant Classification Process June 2021. Collection method: clinical testing. Allele origin: germline. Affected: yes.
Comment: Not observed at significant frequency in large population cohorts (gnomAD); In silico analysis supports that this missense variant has a deleterious effect on protein structure/function; Has not been previously published as pathogenic or benign to our knowledge